The following is an entry in ClinVar:

ClinVar aggregate classification (germline): Uncertain significance. Review status: criteria provided, multiple submitters, no conflicts (2 of 4 stars). 2 submissions from 2 submitters: Uncertain significance (2). Last evaluated 2025-02-03.

Conditions:
Inborn genetic diseases. Identifiers: MedGen C0950123, MeSH D030342.

Allele frequency attached by ClinVar (database versions not stated): gnomAD exomes 0.00001; TOPMed 0.00001; ExAC 0.00001; gnomAD 0.00002.
gnomAD v4.1: 7 of 1,613,826 alleles (0.00043%); highest among the groups gnomAD compares: Admixed American, 0.012%; no homozygotes.

Submissions (2):

Labcorp Genetics (formerly Invitae), Labcorp
Classification: Uncertain significance. Last evaluated: 2025-02-03. Review status: criteria provided, single submitter. Criteria: Invitae Variant Classification Sherloc (09022015). Collection method: clinical testing. Allele origin: germline.
Comment: This sequence change replaces leucine, which is neutral and non-polar, with proline, which is neutral and non-polar, at codon 1170 of the COL4A1 protein (p.Leu1170Pro). This variant is present in population databases (rs754442782, gnomAD 0.01%). This variant has not been reported in the literature in individuals affected with COL4A1-related conditions. ClinVar contains an entry for this variant (Variation ID: 2071425). Invitae Evidence Modeling of protein sequence and biophysical properties (such as structural, functional, and spatial information, amino acid conservation, physicochemical variation, residue mobility, and thermodynamic stability) indicates that this missense variant is not expected to disrupt COL4A1 protein function with a negative predictive value of 95%. In summary, the available evidence is currently insufficient to determine the role of this variant in disease. Therefore, it has been classified as a Variant of Uncertain Significance.

Ambry Genetics
Classification: Uncertain significance for Inborn genetic diseases. Last evaluated: 2023-05-31. Review status: criteria provided, single submitter. Criteria: Ambry Variant Classification Scheme 2023. Collection method: clinical testing. Allele origin: germline.

NM_001845.6(COL4A1):c.3509T>C (p.Leu1170Pro)

Gene: COL4A1 (collagen type IV alpha 1 chain; minus strand). Cytogenetic location: 13q34.
Variant type: single nucleotide variant.
Coding change: c.3509T>C on transcript NM_001845.6 (MANE Select); coding-DNA position 3509, T replaced by C.
Protein change: p.Leu1170Pro; replaces leucine 1170 with proline.
Molecular consequence: missense variant.
Genome position (GRCh38, 1-based): chr13:110,172,767, A>G on the plus strand (T>C on the coding strand, the complement: COL4A1 is on the minus strand). VCF-style: chr13-110172767-A-G. GRCh37 (hg19) VCF-style: chr13-110825114-A-G.
Other names: c.3509T>C (NM_001845.4); short protein forms L1170P.
Identifiers: ClinVar variation 2071425 (VCV002071425.6), dbSNP rs754442782, ClinGen allele CA7047228.
Genomic context (GRCh38, chr13:110,172,767, plus strand): 5'-GAGCAAAGATTACCTTTGTCTCCTTTGGCCCCTGGAAACCCTGGGAATCCTCTTCCTGGT[A>G]GACCTATAAGATGAGGGTAAAATGCCACGTTTCTCTTTACTTAAACAATCCATCTGCAGG-3'
Protein context (NP_001836.3, residues 1160-1180): GSAGEKGEPG[Leu1170Pro]PGRGFPGFPG